The following is an entry in ClinVar:

NM_019892.6(INPP5E):c.1831A>G (p.Arg611Gly)

Gene: INPP5E (inositol polyphosphate-5-phosphatase E; minus strand). Cytogenetic location: 9q34.3.
Variant type: single nucleotide variant.
Coding change: c.1831A>G on transcript NM_019892.6 (MANE Select); coding-DNA position 1831, A replaced by G.
Protein change: p.Arg611Gly; replaces arginine 611 with glycine.
Molecular consequence: missense variant.
Genome position (GRCh38, 1-based): chr9:136,429,779, T>C on the plus strand (A>G on the coding strand, the complement: INPP5E is on the minus strand). VCF-style: chr9-136429779-T-C. GRCh37 (hg19) VCF-style: chr9-139324231-T-C.
Other names: c.1828A>G, p.Arg610Gly (NM_001318502.2); short protein forms R610G, R611G.
Identifiers: ClinVar variation 3344184 (VCV003344184.1).

ClinVar aggregate classification (germline): Uncertain significance (0 of 4 stars; one submission).

Conditions:
INPP5E-related disorder. Also called: INPP5E-related condition.

Submission:

PreventionGenetics, part of Exact Sciences
Classification: Uncertain significance for INPP5E-related condition. Last evaluated: 2024-07-10. Review status: no assertion criteria provided. Collection method: clinical testing. Allele origin: germline.
Comment: The INPP5E c.1831A>G variant is predicted to result in the amino acid substitution p.Arg611Gly. To our knowledge, this variant has not been reported in the literature or in a large population database, indicating this variant is rare. At this time, the clinical significance of this variant is uncertain due to the absence of conclusive functional and genetic evidence.